The following is an entry in ClinVar:

ClinVar aggregate classification (germline): Benign/Likely benign. Review status: criteria provided, multiple submitters, no conflicts (2 of 4 stars). 5 submissions from 4 submitters: Benign (2); Likely benign (3). Last evaluated 2026-02-03.

Conditions:
Weill-Marchesani syndrome. Also called: WM Syndrome; Mesodermal dysmorphodystrophy congenital. Identifiers: Orphanet 3449, MedGen C0265313, MONDO:0018096.
Glaucoma 3, primary congenital, D. Identifiers: Orphanet 98976, MedGen C2751316, MONDO:0013122, OMIM 613086.

Allele frequency attached by ClinVar (database versions not stated): 1000 Genomes Project 0.00619; 1000 Genomes Project 30x 0.00656; TOPMed 0.01220; ESP Exome Variant Server 0.01484; gnomAD 0.01641 and 0.01681; gnomAD exomes 0.01739; ExAC 0.01770.
gnomAD v4.1: 30,585 of 1,612,400 alleles (1.9%); highest among the groups gnomAD compares: Non-Finnish European, 2.1%; 421 homozygotes.

Submissions (5):

Labcorp Genetics (formerly Invitae), Labcorp
Classification: Benign. Last evaluated: 2026-02-03. Review status: criteria provided, single submitter. Criteria: Invitae Variant Classification Sherloc (09022015). Collection method: clinical testing. Allele origin: germline.

GeneDx
Classification: Likely benign. Last evaluated: 2019-05-10. Review status: criteria provided, single submitter. Criteria: GeneDx Variant Classification Process June 2021. Collection method: clinical testing. Allele origin: germline. Affected: yes.

Illumina Laboratory Services, Illumina
Classification: Benign for Weill-Marchesani syndrome. Last evaluated: 2018-01-13. Review status: criteria provided, single submitter. Criteria: ICSL Variant Classification Criteria 13 December 2019. Collection method: clinical testing. Allele origin: germline.
Comment: This variant was observed in the ICSL laboratory as part of a predisposition screen in an ostensibly healthy population. It had not been previously curated by ICSL or reported in the Human Gene Mutation Database (HGMD: prior to June 1st, 2018), and was therefore a candidate for classification through an automated scoring system. Utilizing variant allele frequency, disease prevalence and penetrance estimates, and inheritance mode, an automated score was calculated to assess if this variant is too frequent to cause the disease. Based on the score and internal cut-off values, a variant classified as benign is not then subjected to further curation. The score for this variant resulted in a classification of benign for this disease.

Illumina Laboratory Services, Illumina
Classification: Likely benign for Glaucoma 3, primary congenital, D. Last evaluated: 2018-01-13. Review status: criteria provided, single submitter. Criteria: ICSL Variant Classification Criteria 13 December 2019. Collection method: clinical testing. Allele origin: germline.
Comment: This variant was observed in the ICSL laboratory as part of a predisposition screen in an ostensibly healthy population. It had not been previously curated by ICSL or reported in the Human Gene Mutation Database (HGMD: prior to June 1st, 2018), and was therefore a candidate for classification through an automated scoring system. Utilizing variant allele frequency, disease prevalence and penetrance estimates, and inheritance mode, an automated score was calculated to assess if this variant is too frequent to cause the disease. Based on the score and internal cut-off values, a variant classified as likely benign is not then subjected to further curation. The score for this variant resulted in a classification of likely benign for this disease.

Breakthrough Genomics
Classification: Likely benign. Review status: criteria provided, single submitter. Criteria: ACMG Guidelines, 2015. Collection method: not provided. Allele origin: germline. Inheritance: Autosomal recessive inheritance. Affected: yes.

NM_000428.3(LTBP2):c.1021+14G>A

Gene: LTBP2 (latent transforming growth factor beta binding protein 2; minus strand). Cytogenetic location: 14q24.3.
Variant type: single nucleotide variant.
Coding change: c.1021+14G>A on transcript NM_000428.3 (MANE Select); 14 bases into the intron after coding-DNA position 1021, G replaced by A.
Molecular consequence: intron variant.
Genome position (GRCh38, 1-based): chr14:74,555,489, C>T on the plus strand (G>A on the coding strand, the complement: LTBP2 is on the minus strand). VCF-style: chr14-74555489-C-T. GRCh37 (hg19) VCF-style: chr14-75022192-C-T.
Identifiers: ClinVar variation 314314 (VCV000314314.15), dbSNP rs150408645, ClinGen allele CA7270015.